The following is an entry in ClinVar:

ClinVar aggregate classification (germline): Likely pathogenic (1 of 4 stars; one submission).

Conditions:
Cardiovascular phenotype. Identifiers: MedGen CN230736.

Submission:

Ambry Genetics
Classification: Likely pathogenic for Cardiovascular phenotype. Last evaluated: 2019-10-02. Review status: criteria provided, single submitter. Criteria: Ambry Variant Classification Scheme 2023. Collection method: clinical testing. Allele origin: germline.
Comment: The c.44466delA variant, located in coding exon 153 of the TTN gene, results from a deletion of one nucleotide at nucleotide position 44466, causing a translational frameshift with a predicted alternate stop codon (p.K14822Nfs*15). This exon is located in the A-band region of the N2-B isoform of the titin protein and is constitutively expressed in TTN transcripts (percent spliced in or PSI 100%). This alteration is expected to result in loss of function by premature protein truncation or nonsense-mediated mRNA decay. While truncating variants in TTN are present in 1-3% of the general population, truncating variants in the A-band are the most common cause of dilated cardiomyopathy (DCM) (Herman DS et al. N. Engl. J. Med., 2012 Feb;366:619-28; Roberts AM et al. Sci Transl Med, 2015 Jan;7:270ra6). TTN truncating variants encoded in constitutive exons (PSI >90%) have been found to be significantly associated with DCM regardless of their position in titin (Schafer S et al. Nat. Genet., 2017 01;49:46-53). As such, this alteration is classified as likely pathogenic.

NM_001267550.2(TTN):c.71661del (p.Lys23887fs)

Genes: TTN (titin; minus strand), TTN-AS1 (TTN antisense RNA 1; plus strand). Cytogenetic location: 2q31.2.
Variant type: Deletion.
Coding change: c.71661del on transcript NM_001267550.2 (MANE Select); coding-DNA position 71661, one base deleted (A; older notation c.71661delA).
Protein change: p.Lys23887fs; shifts the reading frame from lysine 23887.
Molecular consequence: frameshift variant.
Genome position (GRCh38, 1-based): chr2:178,574,471, T deleted on the plus strand (A on the coding strand, the reverse complement: TTN is on the minus strand); the first of 3 consecutive T bases (chr2:178,574,471-178,574,473); deleting any one gives the same sequence. VCF-style (leftmost placement, unchanged base first): chr2-178574470-AT-A. GRCh37 (hg19) VCF-style: chr2-179439197-AT-A.
Other names: c.66738del, p.Lys22246fs (NM_001256850.1); c.44466del, p.Lys14822fs (NM_003319.4); c.63957del, p.Lys21319fs (NM_133378.4); c.44841del, p.Lys14947fs (NM_133432.3); c.45042del, p.Lys15014fs (NM_133437.4); c.44466delA (NM_003319.4); short protein forms K14947fs, K23887fs, K14822fs, K15014fs, K21319fs, K22246fs.
Identifiers: ClinVar variation 1740650 (VCV001740650.2), dbSNP rs2468631530, ClinGen allele CA2580064847.
Genomic context (GRCh38, chr2:178,574,470, plus strand): 5'-CTGCCATGTTTTCTGCAATCACCCGGAACTCATAAGCAATACCATCTGTAAGTCCACTTG[AT>A]TTGAAAATGTTGCCTGGTACTAAAGCTTTGCTCACAGTCTGCCAGAGAATACCATTTCGT-3'